The following is an entry in ClinVar:

NM_005121.3(MED13):c.3517C>T (p.His1173Tyr)

Gene: MED13 (mediator complex subunit 13; minus strand). Cytogenetic location: 17q23.2.
Variant type: single nucleotide variant.
Coding change: c.3517C>T on transcript NM_005121.3 (MANE Select); coding-DNA position 3517, C replaced by T.
Protein change: p.His1173Tyr; replaces histidine 1173 with tyrosine.
Molecular consequence: missense variant.
Genome position (GRCh38, 1-based): chr17:61,982,486, G>A on the plus strand (C>T on the coding strand, the complement: MED13 is on the minus strand). VCF-style: chr17-61982486-G-A. GRCh37 (hg19) VCF-style: chr17-60059847-G-A.
Other names: short protein forms H1173Y.
Identifiers: ClinVar variation 5037342 (VCV005037342.1).

ClinVar aggregate classification (germline): Uncertain significance (1 of 4 stars; one submission).

Submission:

GeneDx
Classification: Uncertain significance. Last evaluated: 2026-04-20. Review status: criteria provided, single submitter. Criteria: GeneDx Variant Classification Process June 2021. Collection method: clinical testing. Allele origin: germline.
Comment: Not observed at significant frequency in large population cohorts (gnomAD); In silico analysis suggests that this missense variant does not alter protein structure/function; Has not been previously published as pathogenic or benign to our knowledge